The following is an entry in ClinVar:

NM_001277115.2(DNAH11):c.2732T>A (p.Ile911Asn)

Gene: DNAH11 (dynein axonemal heavy chain 11; plus strand). Cytogenetic location: 7p15.3.
Variant type: single nucleotide variant.
Coding change: c.2732T>A on transcript NM_001277115.2 (MANE Select); coding-DNA position 2732, T replaced by A.
Protein change: p.Ile911Asn; replaces isoleucine 911 with asparagine.
Molecular consequence: missense variant.
Genome position (GRCh38, 1-based): chr7:21,599,851, T>A. VCF-style: chr7-21599851-T-A. GRCh37 (hg19) VCF-style: chr7-21639469-T-A.
Other names: c.2732T>A, p.Ile911Asn (NM_003777.3); short protein forms I911N.
Identifiers: ClinVar variation 1795307 (VCV001795307.2), dbSNP rs746755614, ClinGen allele CA4179417.
Genomic context (GRCh38, chr7:21,599,851, plus strand): 5'-ATAGGAAGCTCTTCAAAGCCAATCCCTCTCTGGATACCTGGAAAATTTATGTAGAATTCA[T>A]TGACGACATTGTGGTGGAAGGCTTTTTTCAGGCTATAATGCACGACTTAGACTTCTTTCT-3'
Protein context (NP_001264044.1, residues 901-921): LDTWKIYVEF[Ile911Asn]DDIVVEGFFQ

ClinVar aggregate classification (germline): Uncertain significance (1 of 4 stars; one submission).

Conditions:
Primary ciliary dyskinesia. Also called: Ciliary dyskinesia. Identifiers: Orphanet 244, MedGen C0008780, MONDO:0016575, HP:0012265.

Allele frequency attached by ClinVar (database versions not stated): gnomAD exomes below 0.00001; ExAC 0.00001.
gnomAD v4.1: 3 of 1,604,472 alleles (0.00019%); highest among the groups gnomAD compares: Non-Finnish European, 0.00026%; no homozygotes.

Submission:

Ambry Genetics
Classification: Uncertain significance for Primary ciliary dyskinesia. Last evaluated: 2015-06-16. Review status: criteria provided, single submitter. Criteria: Ambry Variant Classification Scheme 2023. Collection method: clinical testing. Allele origin: germline.
Comment: The p.I911N variant (also known as c.2732T>A), located in coding exon 15 of the DNAH11 gene, results from a T to A substitution at nucleotide position 2732. The isoleucine at codon 911 is replaced by asparagine, an amino acid with dissimilar properties. This variant was not reported in population based cohorts in the following databases: Database of Single Nucleotide Polymorphisms (dbSNP), NHLBI Exome Sequencing Project (ESP), and 1000 Genomes Project. In the ESP, this variant was not observed in 5932 samples (11864 alleles) with coverage at this position. This amino acid position is not well conserved in available vertebrate species. In addition, this alteration is predicted to be tolerated by in silico analysis. Since supporting evidence is limited at this time, the clinical significance of this variant remains unclear.